The following is an entry in ClinVar:

NM_001283009.2(RTEL1):c.2878C>G (p.His960Asp)

Genes: RTEL1 (regulator of telomere elongation helicase 1; plus strand), RTEL1-TNFRSF6B (RTEL1-TNFRSF6B readthrough (NMD candidate); plus strand). Cytogenetic location: 20q13.33.
Variant type: single nucleotide variant.
Coding change: c.2878C>G on transcript NM_001283009.2 (MANE Select); coding-DNA position 2878, C replaced by G.
Protein change: p.His960Asp; replaces histidine 960 with aspartic acid.
Molecular consequence: missense variant. On other transcripts: non-coding transcript variant (1).
Genome position (GRCh38, 1-based): chr20:63,693,169, C>G. VCF-style: chr20-63693169-C-G. GRCh37 (hg19) VCF-style: chr20-62324522-C-G.
Other names: c.2209C>G, p.His737Asp (NM_001283010.1); c.2878C>G, p.His960Asp (NM_016434.4); c.2950C>G, p.His984Asp (NM_032957.5); short protein forms H737D, H960D, H984D.
Identifiers: ClinVar variation 3375708 (VCV003375708.2).

ClinVar aggregate classification (germline): Uncertain significance (1 of 4 stars; one submission).

Submission:

GeneDx
Classification: Uncertain significance. Last evaluated: 2025-06-04. Review status: criteria provided, single submitter. Criteria: GeneDx Variant Classification Process June 2021. Collection method: clinical testing. Allele origin: germline.
Comment: Reported as p.(H960D) in an individual with myelodysplastic syndrome with multilineage dysplasia who also harbored a second variant in the RTEL1 gene and a variant in the RAF1 gene (PMID: 37216690); In silico analysis supports that this missense variant has a deleterious effect on protein structure/function; Not observed at significant frequency in large population cohorts (gnomAD); This variant is associated with the following publications: (PMID: 37216690)